The following is an entry in ClinVar:

ClinVar aggregate classification (germline): Likely benign. Review status: criteria provided, multiple submitters, no conflicts (2 of 4 stars). 3 submissions from 3 submitters: Likely benign (3). Last evaluated 2025-01-06.

Conditions:
Frasier syndrome. Identifiers: Orphanet 347, MedGen C0950122, MeSH D052159, MONDO:0007635, OMIM 136680.
Drash syndrome (DDS). Also called: NEPHROPATHY, WILMS TUMOR, AND GENITAL ANOMALIES; WILMS TUMOR AND PSEUDO- OR TRUE HERMAPHRODITISM. Identifiers: Orphanet 220, MedGen C0950121, MONDO:0008682, OMIM 194080.
Wilms tumor 1 (WT1). Also called: Wilms tumor, somatic. Identifiers: Orphanet 654, MedGen CN033288, MONDO:0008679, OMIM 194070.
11p partial monosomy syndrome (WAGR). Also called: WAGR Complex; CHROMOSOME 11p13 DELETION SYNDROME; WAGR Spectrum Disorder; WAGR syndrome. Identifiers: Orphanet 893, MedGen C0206115, MONDO:0008681, OMIM 194072.
Inborn genetic diseases. Identifiers: MedGen C0950123, MeSH D030342.

Allele frequency attached by ClinVar (database versions not stated): gnomAD exomes below 0.00001; gnomAD 0.00001.
gnomAD v4.1: 6 of 1,611,840 alleles (0.00037%); highest among the groups gnomAD compares: Non-Finnish European, 0.00051%; no homozygotes.

Submissions (3):

Ambry Genetics
Classification: Likely benign for Inborn genetic diseases. Last evaluated: 2025-01-06. Review status: criteria provided, single submitter. Criteria: Ambry Variant Classification Scheme 2023. Collection method: clinical testing. Allele origin: germline.

All of Us Research Program, National Institutes of Health
Classification: Likely benign for Wilms tumor 1. Last evaluated: 2023-09-04. Review status: criteria provided, single submitter. Criteria: ACMG Guidelines, 2015. Collection method: clinical testing. Allele origin: germline. Inheritance: Autosomal dominant inheritance. Observed: 2 variant alleles, 2 heterozygotes.
Comment: This study involves interpretation of variants in research participants for the purpose of population health screening. Participant phenotype was not available at the time of variant classification. Additional details can be found in publication PMID: 35346344, PMCID: PMC8962531

Labcorp Genetics (formerly Invitae), Labcorp
Classification: Likely benign for Wilms tumor 1; Drash syndrome; 11p partial monosomy syndrome; Frasier syndrome. Last evaluated: 2022-10-23. Review status: criteria provided, single submitter. Criteria: Invitae Variant Classification Sherloc (09022015). Collection method: clinical testing. Allele origin: germline.

NM_024426.6(WT1):c.846C>T (p.Cys282=)

Gene: WT1 (WT1 transcription factor; minus strand). Cytogenetic location: 11p13.
Variant type: single nucleotide variant.
Coding change: c.846C>T on transcript NM_024426.6 (MANE Select); coding-DNA position 846, C replaced by T.
Protein change: p.Cys282=; no amino-acid change (cysteine 282 retained).
Molecular consequence: synonymous variant. On other transcripts: non-coding transcript variant (2).
Genome position (GRCh38, 1-based): chr11:32,427,997, G>A on the plus strand (C>T on the coding strand, the complement: WT1 is on the minus strand). VCF-style: chr11-32427997-G-A. GRCh37 (hg19) VCF-style: chr11-32449543-G-A.
Other names: c.846C>T, p.Cys282= (NM_000378.6, NM_001407044.1, NM_001407045.1 and 4 more transcripts); c.195C>T, p.Cys65= (NM_001198551.2, NM_001198552.2); c.723C>T, p.Cys241= (NM_001407047.1, NM_001407050.1); c.84C>T, p.Cys28= (NM_001407051.1); c.831C>T, p.Cys277= (NM_024425.2); c.831C>T (NM_024426.4).
Identifiers: ClinVar variation 1419088 (VCV001419088.11), dbSNP rs1281989931, ClinGen allele CA473569619.
Genomic context (GRCh38, chr11:32,427,997, plus strand): 5'-GAGCCCAGCGCCTTCCTACCTGCTGTAGGGCGTCCTCAGCAGCAAAGCCTGGCTGCCGGT[G>A]CAGCTGTCGGTGGGGGTGTGGCAGCCATAGACCGGGGGCGGCACCGAGTACTGCTGCTCA-3'
Protein context (NP_077744.4, residues 272-292): VYGCHTPTDS[Cys282=]TGSQALLLRT